The following is an entry in ClinVar:

ClinVar aggregate classification (germline): Uncertain significance (1 of 4 stars; one submission).

Conditions:
Progressive sclerosing poliodystrophy (MTDPS4A). Also called: ALPERS PROGRESSIVE INFANTILE POLIODYSTROPHY; NEURONAL DEGENERATION OF CHILDHOOD WITH LIVER DISEASE, PROGRESSIVE; Alpers Syndrome; ALPERS DIFFUSE DEGENERATION OF CEREBRAL GRAY MATTER WITH HEPATIC CIRRHOSIS; Alpers-Huttenlocher Syndrome; Mitochondrial DNA depletion syndrome 4A (Alpers type). Identifiers: Orphanet 726, MedGen C0205710, MONDO:0008758, OMIM 203700.

Submission:

Labcorp Genetics (formerly Invitae), Labcorp
Classification: Uncertain significance for Progressive sclerosing poliodystrophy. Last evaluated: 2023-07-19. Review status: criteria provided, single submitter. Criteria: Invitae Variant Classification Sherloc (09022015). Collection method: clinical testing. Allele origin: germline.
Comment: This sequence change falls in intron 11 of the POLG gene. It does not directly change the encoded amino acid sequence of the POLG protein. This variant is present in population databases (no rsID available, gnomAD 0.003%). This variant has not been reported in the literature in individuals affected with POLG-related conditions. Algorithms developed to predict the effect of sequence changes on RNA splicing suggest that this variant may create or strengthen a splice site. In summary, the available evidence is currently insufficient to determine the role of this variant in disease. Therefore, it has been classified as a Variant of Uncertain Significance.

NM_002693.3(POLG):c.2070+8C>T

Gene: POLG (DNA polymerase gamma, catalytic subunit; minus strand). Cytogenetic location: 15q26.1.
Variant type: single nucleotide variant.
Coding change: c.2070+8C>T on transcript NM_002693.3 (MANE Select); 8 bases into the intron after coding-DNA position 2070, C replaced by T.
Molecular consequence: intron variant.
Genome position (GRCh38, 1-based): chr15:89,324,099, G>A on the plus strand (C>T on the coding strand, the complement: POLG is on the minus strand). VCF-style: chr15-89324099-G-A. GRCh37 (hg19) VCF-style: chr15-89867330-G-A.
Other names: c.2070+8C>T (NM_001126131.2).
Identifiers: ClinVar variation 2744894 (VCV002744894.3), dbSNP rs1191603815, ClinGen allele CA619857359.
Genomic context (GRCh38, chr15:89,324,099, plus strand): 5'-TGCCCCTTCCCTGGGTGGAATACAGAGACCTCCCCTCCCCAAAGCTCAGGTTCAGAGCCT[G>A]CCCTCACCGTTTGCCATATGGCACTATTGTCAGTGAGCAGGAACTCCTCCGCCAGGCCGG-3'